The following is an entry in ClinVar:

NM_005120.3(MED12):c.266C>T (p.Thr89Ile)

Gene: MED12 (mediator complex subunit 12; plus strand). Cytogenetic location: Xq13.1.
Variant type: single nucleotide variant.
Coding change: c.266C>T on transcript NM_005120.3 (MANE Select); coding-DNA position 266, C replaced by T.
Protein change: p.Thr89Ile; replaces threonine 89 with isoleucine.
Molecular consequence: missense variant.
Genome position (GRCh38, 1-based): chrX:71,119,747, C>T. VCF-style: chrX-71119747-C-T. GRCh37 (hg19) VCF-style: chrX-70339597-C-T.
Other names: short protein forms T89I.
Identifiers: ClinVar variation 3394464 (VCV003394464.1).

ClinVar aggregate classification (germline): Uncertain significance (1 of 4 stars; one submission).

Conditions:
Familial thoracic aortic aneurysm and aortic dissection (TAAD). Also called: Thoracic aortic aneurysms and dissections. Identifiers: Orphanet 91387, MedGen C4707243, MONDO:0019625.

Submission:

Ambry Genetics
Classification: Uncertain significance for Familial thoracic aortic aneurysm and aortic dissection. Last evaluated: 2024-10-24. Review status: criteria provided, single submitter. Criteria: Ambry Variant Classification Scheme 2023. Collection method: clinical testing. Allele origin: germline.
Comment: The p.T89I variant (also known as c.266C>T), located in coding exon 3 of the MED12 gene, results from a C to T substitution at nucleotide position 266. The threonine at codon 89 is replaced by isoleucine, an amino acid with similar properties. This amino acid position is conserved. In addition, the in silico prediction for this alteration is inconclusive. Based on the available evidence, the clinical significance of this variant remains unclear.